The following is an entry in ClinVar:

ClinVar aggregate classification (germline): Conflicting classifications of pathogenicity. Review status: criteria provided, conflicting classifications (1 of 4 stars). 4 submissions from 4 submitters: Uncertain significance (3); Likely benign (1). Last evaluated 2026-01-30.

Conditions:
Charcot-Marie-Tooth disease type 2. Also called: Charcot-Marie-Tooth type 2. Identifiers: Orphanet 64746, MedGen C0270914, MONDO:0018993.
Charcot-Marie-Tooth disease type 2A1. Also called: CHARCOT-MARIE-TOOTH DISEASE, AXONAL, TYPE 2A1; CHARCOT-MARIE-TOOTH DISEASE, AXONAL, AUTOSOMAL DOMINANT, TYPE 2A1; CHARCOT-MARIE-TOOTH DISEASE, NEURONAL, TYPE 2A1; CHARCOT-MARIE-TOOTH NEUROPATHY, TYPE 2A1; HEREDITARY MOTOR AND SENSORY NEUROPATHY IIA1. Identifiers: Orphanet 99946, MedGen C1861678, MONDO:0007308, OMIM 118210.
Neuroblastoma, susceptibility to, 1. Identifiers: MedGen C2749485, MONDO:0009741, OMIM 256700.

Allele frequency attached by ClinVar (database versions not stated): gnomAD exomes 0.00004 and 0.00003; gnomAD 0.00002; ExAC 0.00003; TOPMed 0.00005; ESP Exome Variant Server 0.00008.
gnomAD v4.1: 51 of 1,613,844 alleles (0.0032%); highest among the groups gnomAD compares: Admixed American, 0.02%; no homozygotes.

Submissions (4):

Labcorp Genetics (formerly Invitae), Labcorp
Classification: Uncertain significance for Charcot-Marie-Tooth disease type 2. Last evaluated: 2026-01-30. Review status: criteria provided, single submitter. Criteria: Invitae Variant Classification Sherloc (09022015). Collection method: clinical testing. Allele origin: germline.
Comment: This sequence change replaces arginine, which is basic and polar, with glutamine, which is neutral and polar, at codon 1436 of the KIF1B protein (p.Arg1436Gln). This variant is present in population databases (rs367778973, gnomAD 0.03%). This variant has not been reported in the literature in individuals affected with KIF1B-related conditions. ClinVar contains an entry for this variant (Variation ID: 1419477). An algorithm developed to predict the effect of missense changes on protein structure and function (PolyPhen-2) suggests that this variant is likely to be disruptive. In summary, the available evidence is currently insufficient to determine the role of this variant in disease. Therefore, it has been classified as a Variant of Uncertain Significance.

St. Jude Molecular Pathology, St. Jude Children's Research Hospital
Classification: Uncertain significance for Neuroblastoma, susceptibility to, 1. Last evaluated: 2024-03-08. Review status: criteria provided, single submitter. Criteria: St. Jude Assertion Criteria 2020. Collection method: clinical testing. Allele origin: germline.
Comment: The KIF1B c.4307G>A (p.Arg1436Gln) missense change has a maximum subpopulation frequency of 0.025% in gnomAD v2.1.1. The in silico tool REVEL predicts a deleterious effect on protein function, but to our knowledge this prediction has not been confirmed by functional studies. To our knowledge, this variant has not been reported in individuals with pheochromocytoma or neuroblastoma. In summary, the evidence currently available is insufficient to determine the clinical significance of this variant. It has therefore been classified as of uncertain significance.

Fulgent Genetics
Classification: Uncertain significance for Charcot-Marie-Tooth disease type 2A1; Neuroblastoma, susceptibility to, 1. Last evaluated: 2023-12-21. Review status: criteria provided, single submitter. Criteria: ACMG Guidelines, 2015. Collection method: clinical testing. Allele origin: germline.

Ambry Genetics
Classification: Likely benign. Last evaluated: 2023-08-21. Review status: criteria provided, single submitter. Criteria: Ambry Variant Classification Scheme 2023. Collection method: clinical testing. Allele origin: germline.

NM_001365951.3(KIF1B):c.4445G>A (p.Arg1482Gln)

Gene: KIF1B (kinesin family member 1B; plus strand). Cytogenetic location: 1p36.22.
Variant type: single nucleotide variant.
Coding change: c.4445G>A on transcript NM_001365951.3 (MANE Select); coding-DNA position 4445, G replaced by A.
Protein change: p.Arg1482Gln; replaces arginine 1482 with glutamine.
Molecular consequence: missense variant.
Genome position (GRCh38, 1-based): chr1:10,365,178, G>A. VCF-style: chr1-10365178-G-A. GRCh37 (hg19) VCF-style: chr1-10425236-G-A.
Other names: c.4445G>A, p.Arg1482Gln (NM_001365952.1); c.4307G>A, p.Arg1436Gln (NM_015074.3); short protein forms R1482Q, R1436Q.
Identifiers: ClinVar variation 1419477 (VCV001419477.10), dbSNP rs367778973, ClinGen allele CA582080.